The following is an entry in ClinVar:

ClinVar aggregate classification (germline): Uncertain significance. Review status: criteria provided, multiple submitters, no conflicts (2 of 4 stars). 2 submissions from 2 submitters: Uncertain significance (2). Last evaluated 2024-03-27.

Conditions:
Hereditary cancer-predisposing syndrome. Also called: Neoplastic Syndromes, Hereditary; Hereditary Cancer Syndrome; Tumor predisposition; Hereditary neoplastic syndrome. Identifiers: Orphanet 140162, MedGen C0027672, MeSH D009386, MONDO:0015356.
Familial adenomatous polyposis 1 (FAP1). Also called: FAMILIAL ADENOMATOUS POLYPOSIS 1, ATTENUATED; POLYPOSIS, ADENOMATOUS INTESTINAL. Identifiers: MedGen C2713442, MONDO:0021056, OMIM 175100. Disease mechanism: loss of function.

Allele frequency attached by ClinVar (database versions not stated): gnomAD exomes below 0.00001.
gnomAD v4.1: 1 of 1,613,356 alleles (0.000062%); no homozygotes.

Submissions (2):

Ambry Genetics
Classification: Uncertain significance for Hereditary cancer-predisposing syndrome. Last evaluated: 2024-03-27. Review status: criteria provided, single submitter. Criteria: Ambry Variant Classification Scheme 2023. Collection method: clinical testing. Allele origin: germline.
Comment: The p.K2010I variant (also known as c.6029A>T), located in coding exon 15 of the APC gene, results from an A to T substitution at nucleotide position 6029. The lysine at codon 2010 is replaced by isoleucine, an amino acid with dissimilar properties. This amino acid position is conserved. In addition, in silico predictors for this gene do not accurately predict pathogenicity. Based on the available evidence, the clinical significance of this alteration remains unclear.

Labcorp Genetics (formerly Invitae), Labcorp
Classification: Uncertain significance for Familial adenomatous polyposis 1. Last evaluated: 2021-01-07. Review status: criteria provided, single submitter. Criteria: Invitae Variant Classification Sherloc (09022015). Collection method: clinical testing. Allele origin: germline.
Comment: In summary, the available evidence is currently insufficient to determine the role of this variant in disease. Therefore, it has been classified as a Variant of Uncertain Significance. Algorithms developed to predict the effect of missense changes on protein structure and function are either unavailable or do not agree on the potential impact of this missense change (SIFT: "Tolerated"; PolyPhen-2: "Probably Damaging"; Align-GVGD: "Class C0"). This variant has not been reported in the literature in individuals with APC-related conditions. This variant is not present in population databases (ExAC no frequency). This sequence change replaces lysine with isoleucine at codon 2010 of the APC protein (p.Lys2010Ile). The lysine residue is highly conserved and there is a moderate physicochemical difference between lysine and isoleucine.

NM_000038.6(APC):c.6029A>T (p.Lys2010Ile)

Gene: APC (APC regulator of Wnt signaling pathway; plus strand). Cytogenetic location: 5q22.2.
Variant type: single nucleotide variant.
Coding change: c.6029A>T on transcript NM_000038.6 (MANE Select); coding-DNA position 6029, A replaced by T.
Protein change: p.Lys2010Ile; replaces lysine 2010 with isoleucine.
Molecular consequence: missense variant.
Genome position (GRCh38, 1-based): chr5:112,841,623, A>T. VCF-style: chr5-112841623-A-T. GRCh37 (hg19) VCF-style: chr5-112177320-A-T.
Other names: c.6029A>T, p.Lys2010Ile (NM_001127510.3, NM_001354895.2); c.5975A>T, p.Lys1992Ile (NM_001127511.3); c.6083A>T, p.Lys2028Ile (NM_001354896.2); c.6059A>T, p.Lys2020Ile (NM_001354897.2); c.5954A>T, p.Lys1985Ile (NM_001354898.2); c.5945A>T, p.Lys1982Ile (NM_001354899.2); c.5906A>T, p.Lys1969Ile (NM_001354900.2); c.5852A>T, p.Lys1951Ile (NM_001354901.2); and 6 more; short protein forms K1884I, K1919I, K2020I, K2028I, K1985I, K1850I, K1909I, K1969I.
Identifiers: ClinVar variation 1473986 (VCV001473986.9), dbSNP rs1766119645, ClinGen allele CA16034523.